The following is an entry in ClinVar:

ClinVar aggregate classification (germline): Conflicting classifications of pathogenicity. Review status: criteria provided, conflicting classifications (1 of 4 stars). 2 submissions from 2 submitters: Pathogenic (1); Uncertain significance (1). Last evaluated 2026-05-12.

Conditions:
Cardiovascular phenotype. Identifiers: MedGen CN230736.
Dilated cardiomyopathy 1P (CMD1P). Identifiers: Orphanet 154, MedGen C1835928, MONDO:0012362, OMIM 609909.

Submissions (2):

Ambry Genetics
Classification: Uncertain significance for Cardiovascular phenotype. Last evaluated: 2026-05-12. Review status: criteria provided, single submitter. Criteria: Ambry Variant Classification Scheme 2023. Collection method: clinical testing. Allele origin: germline.
Comment: The c.9dupA variant, located in coding exon 1 of the PLN gene, results from a duplication of A at nucleotide position 9, causing a translational frameshift with a predicted alternate stop codon (p.V4Sfs*16). This variant was reported in an individual with Wolff-Parkinson-White syndrome and mild left ventricular apical hypertrabeculation (Truszkowska GT et al. BMC Med Genet, 2015 Apr;16:21). This variant is expected to result in protein truncation or nonsense-mediated mRNA decay. However, loss of function has not been established as a mechanism of disease. Based on the available evidence, the clinical significance of this variant remains unclear.

Labcorp Genetics (formerly Invitae), Labcorp
Classification: Pathogenic for Dilated cardiomyopathy 1P. Last evaluated: 2025-04-11. Review status: criteria provided, single submitter. Criteria: Invitae Variant Classification Sherloc (09022015). Collection method: clinical testing. Allele origin: germline.
Comment: This sequence change creates a premature translational stop signal (p.Val4Serfs*16) in the PLN gene. While this is not anticipated to result in nonsense mediated decay, it is expected to disrupt the last 49 amino acid(s) of the PLN protein. This variant is not present in population databases (gnomAD no frequency). This premature translational stop signal has been observed in individual(s) with PLN-related conditions (PMID: 25928149). ClinVar contains an entry for this variant (Variation ID: 1072579). This variant disrupts a region of the PLN protein in which other variant(s) (p.Leu39*) have been determined to be pathogenic (PMID: 12639993, 17655857, 21167350, 25611685, 26535225, 27532257). This suggests that this is a clinically significant region of the protein, and that variants that disrupt it are likely to be disease-causing. For these reasons, this variant has been classified as Pathogenic.

Literature cited by the submitters: PubMed 25928149 (cited by Ambry Genetics and Labcorp Genetics (formerly Invitae), Labcorp); PubMed 12639993 (cited by Labcorp Genetics (formerly Invitae), Labcorp); PubMed 17655857 (cited by Labcorp Genetics (formerly Invitae), Labcorp); PubMed 21167350 (cited by Labcorp Genetics (formerly Invitae), Labcorp); PubMed 25611685 (cited by Labcorp Genetics (formerly Invitae), Labcorp); PubMed 26535225 (cited by Labcorp Genetics (formerly Invitae), Labcorp); PubMed 27532257 (cited by Labcorp Genetics (formerly Invitae), Labcorp).

NM_002667.5(PLN):c.9dup (p.Val4fs)

Genes: CEP85L (centrosomal protein 85L; minus strand), PLN (phospholamban; plus strand). Cytogenetic location: 6q22.31.
Variant type: Duplication.
Coding change: c.9dup on transcript NM_002667.5 (MANE Select); coding-DNA position 9, one base duplicated (A; older notation c.9dupA).
Protein change: p.Val4fs; shifts the reading frame from valine 4.
Molecular consequence: frameshift variant. On other transcripts: intron variant (3).
Genome position (GRCh38, 1-based): chr6:118,558,930, A duplicated; the last of 3 consecutive A bases (chr6:118,558,928-118,558,930); duplicating any one gives the same sequence. VCF-style (leftmost placement, unchanged base first): chr6-118558927-G-GA. GRCh37 (hg19) VCF-style: chr6-118880090-G-GA.
Other names: c.9dupA (NM_002667.3); c.1029+6601dup (NM_001178035.2); c.1020+6601dup (NM_001042475.3, NM_206921.3); short protein forms V4fs.
Identifiers: ClinVar variation 1072579 (VCV001072579.10), dbSNP rs2114969441, ClinGen allele CA2499218049.